The following is an entry in ClinVar:

ClinVar aggregate classification (germline): Uncertain significance (1 of 4 stars; one submission).

Submission:

Labcorp Genetics (formerly Invitae), Labcorp
Classification: Uncertain significance. Last evaluated: 2021-04-15. Review status: criteria provided, single submitter. Criteria: Invitae Variant Classification Sherloc (09022015). Collection method: clinical testing. Allele origin: germline.
Comment: Algorithms developed to predict the effect of missense changes on protein structure and function are either unavailable or do not agree on the potential impact of this missense change (SIFT: "Deleterious"; PolyPhen-2: "Possibly Damaging"; Align-GVGD: "Class C0"). In summary, the available evidence is currently insufficient to determine the role of this variant in disease. Therefore, it has been classified as a Variant of Uncertain Significance. This variant has not been reported in the literature in individuals with ADGRV1-related conditions. This variant is not present in population databases (ExAC no frequency). This sequence change replaces tryptophan with serine at codon 3486 of the ADGRV1 protein (p.Trp3486Ser). The tryptophan residue is highly conserved and there is a large physicochemical difference between tryptophan and serine.

NM_032119.4(ADGRV1):c.10457G>C (p.Trp3486Ser)

Gene: ADGRV1 (adhesion G protein-coupled receptor V1; plus strand). Cytogenetic location: 5q14.3.
Variant type: single nucleotide variant.
Coding change: c.10457G>C on transcript NM_032119.4 (MANE Select); coding-DNA position 10457, G replaced by C.
Protein change: p.Trp3486Ser; replaces tryptophan 3486 with serine.
Molecular consequence: missense variant. On other transcripts: non-coding transcript variant (1).
Genome position (GRCh38, 1-based): chr5:90,729,672, G>C. VCF-style: chr5-90729672-G-C. GRCh37 (hg19) VCF-style: chr5-90025489-G-C.
Other names: short protein forms W3486S.
Identifiers: ClinVar variation 1387746 (VCV001387746.8), dbSNP rs2149818882, ClinGen allele CA360405300.